The following is an entry in ClinVar:

NM_025144.4(ALPK1):c.3311T>C (p.Ile1104Thr)

Gene: ALPK1 (alpha kinase 1; plus strand). Cytogenetic location: 4q25.
Variant type: single nucleotide variant.
Coding change: c.3311T>C on transcript NM_025144.4 (MANE Select); coding-DNA position 3311, T replaced by C.
Protein change: p.Ile1104Thr; replaces isoleucine 1104 with threonine.
Molecular consequence: missense variant.
Genome position (GRCh38, 1-based): chr4:112,438,606, T>C. VCF-style: chr4-112438606-T-C. GRCh37 (hg19) VCF-style: chr4-113359762-T-C.
Other names: c.3311T>C, p.Ile1104Thr (NM_001102406.2); c.3077T>C, p.Ile1026Thr (NM_001253884.2); short protein forms I1026T, I1104T.
Identifiers: ClinVar variation 1917761 (VCV001917761.5), dbSNP rs375993289, ClinGen allele CA3047136.

ClinVar aggregate classification (germline): Uncertain significance (1 of 4 stars; one submission).

Allele frequency attached by ClinVar (database versions not stated): ExAC 0.00001; gnomAD 0.00002; gnomAD exomes 0.00003; TOPMed 0.00003; ESP Exome Variant Server 0.00015.
gnomAD v4.1: 19 of 1,613,716 alleles (0.0012%); highest among the groups gnomAD compares: Non-Finnish European, 0.0015%; no homozygotes.

Submission:

Labcorp Genetics (formerly Invitae), Labcorp
Classification: Uncertain significance. Last evaluated: 2025-04-17. Review status: criteria provided, single submitter. Criteria: Invitae Variant Classification Sherloc (09022015). Collection method: clinical testing. Allele origin: germline.
Comment: This sequence change replaces isoleucine, which is neutral and non-polar, with threonine, which is neutral and polar, at codon 1104 of the ALPK1 protein (p.Ile1104Thr). This variant is present in population databases (rs375993289, gnomAD 0.002%). This variant has not been reported in the literature in individuals affected with ALPK1-related conditions. ClinVar contains an entry for this variant (Variation ID: 1917761). Invitae Evidence Modeling of protein sequence and biophysical properties (such as structural, functional, and spatial information, amino acid conservation, physicochemical variation, residue mobility, and thermodynamic stability) indicates that this missense variant is expected to disrupt ALPK1 protein function with a positive predictive value of 80%. In summary, the available evidence is currently insufficient to determine the role of this variant in disease. Therefore, it has been classified as a Variant of Uncertain Significance.